The following is an entry in ClinVar:

NC_012920.1(MT-CYB):m.14883C>T

Gene: MT-CYB (mitochondrially encoded cytochrome b; plus strand).
Variant type: single nucleotide variant.
Genome position: chrM-14883-C-T.
Identifiers: ClinVar variation 693785 (VCV000693785.1), dbSNP rs1603224950, ClinGen allele CA913172355.

ClinVar aggregate classification (germline): Benign (1 of 4 stars; one submission).

Conditions:
Leigh syndrome (NULS). Also called: Leigh's necrotizing encephalopathy; Leigh's disease; Leigh's syndrome; LEIGH SYNDROME, NUCLEAR; Leigh Syndrome (mtDNA deletion); Leigh Disease. Identifiers: Orphanet 506, MedGen C2931891, MONDO:0009723, OMIM 256000.

Submission:

Wong Mito Lab, Molecular and Human Genetics, Baylor College of Medicine
Classification: Benign for Leigh syndrome. Last evaluated: 2019-10-17. Review status: criteria provided, single submitter. Criteria: Modified ACMG Guidelines (Unpublished). Collection method: clinical testing. Allele origin: germline.
Comment: The NC_012920.1:m.14883C>T (YP_003024038.1:p.Thr46Ile) variant in MTCYB gene is interpretated to be a Benign variant based on the modified ACMG guidelines (unpublished). This variant meets the following evidence codes: BS1, BS2, BP4